The following is an entry in ClinVar:

ClinVar aggregate classification (germline): Uncertain significance (1 of 4 stars; one submission).

Allele frequency attached by ClinVar (database versions not stated): TOPMed below 0.00001.

Submission:

Labcorp Genetics (formerly Invitae), Labcorp
Classification: Uncertain significance. Last evaluated: 2022-02-06. Review status: criteria provided, single submitter. Criteria: Invitae Variant Classification Sherloc (09022015). Collection method: clinical testing. Allele origin: germline.
Comment: Algorithms developed to predict the effect of missense changes on protein structure and function are either unavailable or do not agree on the potential impact of this missense change (SIFT: "Deleterious"; PolyPhen-2: "Probably Damaging"; Align-GVGD: "Class C0"). In summary, the available evidence is currently insufficient to determine the role of this variant in disease. Therefore, it has been classified as a Variant of Uncertain Significance. This variant has not been reported in the literature in individuals affected with C8orf37-related conditions. This variant is not present in population databases (gnomAD no frequency). This sequence change replaces leucine, which is neutral and non-polar, with methionine, which is neutral and non-polar, at codon 154 of the C8orf37 protein (p.Leu154Met).

NM_177965.4(CFAP418):c.460C>A (p.Leu154Met)

Gene: CFAP418 (cilia and flagella associated protein 418; minus strand). Cytogenetic location: 8q22.1.
Variant type: single nucleotide variant.
Coding change: c.460C>A on transcript NM_177965.4 (MANE Select); coding-DNA position 460, C replaced by A.
Protein change: p.Leu154Met; replaces leucine 154 with methionine.
Molecular consequence: missense variant. On other transcripts: intron variant (1).
Genome position (GRCh38, 1-based): chr8:95,252,198, G>T on the plus strand (C>A on the coding strand, the complement: CFAP418 is on the minus strand). VCF-style: chr8-95252198-G-T. GRCh37 (hg19) VCF-style: chr8-96264426-G-T.
Other names: c.375-4428C>A (NM_001363260.1); short protein forms L154M.
Identifiers: ClinVar variation 2093697 (VCV002093697.4), dbSNP rs1811719418, ClinGen allele CA371838447.